The following is an entry in ClinVar:

NM_000516.7(GNAS):c.122A>G (p.His41Arg)

Gene: GNAS (GNAS complex locus; plus strand). Cytogenetic location: 20q13.32.
Variant type: single nucleotide variant.
Coding change: c.122A>G on transcript NM_000516.7 (MANE Select); coding-DNA position 122, A replaced by G.
Protein change: p.His41Arg; replaces histidine 41 with arginine.
Molecular consequence: missense variant. On other transcripts: intron variant (11).
Genome position (GRCh38, 1-based): chr20:58,891,848, A>G. VCF-style: chr20-58891848-A-G. GRCh37 (hg19) VCF-style: chr20-57466903-A-G.
Other names: c.122A>G, p.His41Arg (NM_001077488.5, NM_001077489.4, NM_001309842.2 and 1 more transcripts); c.*43-3764A>G (NM_016592.5); c.44-3764A>G (NM_001410912.1); c.-38-3764A>G (NM_001309861.2); c.*1-3764A>G (NM_001077490.3); c.2069-3764A>G (NM_080425.4, NM_001410913.1); c.*159-3764A>G (NM_001309883.1); c.-39+2495A>G (NM_001438273.1, NM_001309840.2); and 1 more; short protein forms H41R.
Identifiers: ClinVar variation 4984335 (VCV004984335.1).

ClinVar aggregate classification (germline): Uncertain significance (1 of 4 stars; one submission).

Conditions:
GNAS-related disorder. Identifiers: MedGen CN380105.

Submission:

PreventionGenetics, part of Exact Sciences
Classification: Uncertain significance for GNAS-related condition. Last evaluated: 2025-05-10. Review status: criteria provided, single submitter. Criteria: ACMG Guidelines, 2015. Collection method: clinical testing. Allele origin: germline.
Comment: The GNAS c.122A>G variant is predicted to result in the amino acid substitution p.His41Arg. This variant was reported in an individual with pseudohypoparathyroidism 1a / pseudopseudohypoparathyroidism; however, clinical or functional data was not provided to assess the pathogenicity of this variant (Table S2 in Snanoudj et al. 2020. PubMed ID: 31886927). This variant has not been reported in a large population database (gnomAD), indicating this variant is rare. At this time, the clinical significance of this variant is uncertain due to the absence of conclusive functional and genetic evidence.